The following is an entry in ClinVar:

NM_033116.6(NEK9):c.2773A>G (p.Thr925Ala)

Gene: NEK9 (NIMA related kinase 9; minus strand). Cytogenetic location: 14q24.3.
Variant type: single nucleotide variant.
Coding change: c.2773A>G on transcript NM_033116.6 (MANE Select); coding-DNA position 2773, A replaced by G.
Protein change: p.Thr925Ala; replaces threonine 925 with alanine.
Molecular consequence: missense variant.
Genome position (GRCh38, 1-based): chr14:75,087,062, T>C on the plus strand (A>G on the coding strand, the complement: NEK9 is on the minus strand). VCF-style: chr14-75087062-T-C. GRCh37 (hg19) VCF-style: chr14-75553765-T-C.
Other names: c.2809A>G, p.Thr937Ala (NM_001329237.2); c.2419A>G, p.Thr807Ala (NM_001329238.2); c.2773A>G (NM_033116.5); short protein forms T807A, T925A, T937A.
Identifiers: ClinVar variation 2231328 (VCV002231328.3), dbSNP rs150013785, ClinGen allele CA7276589.

ClinVar aggregate classification (germline): Uncertain significance. Review status: criteria provided, single submitter (1 of 4 stars). 2 submissions from 2 submitters: Uncertain significance (1). 1 of the submissions does not count toward it. Last evaluated 2021-08-17.

Conditions:
Inborn genetic diseases. Identifiers: MedGen C0950123, MeSH D030342.
NEK9-related disorder. Also called: NEK9-related condition.

Allele frequency attached by ClinVar (database versions not stated): ExAC 0.00019; gnomAD 0.00035; TOPMed 0.00036; gnomAD exomes 0.00060; ESP Exome Variant Server 0.00085.
gnomAD v4.1: 953 of 1,614,120 alleles (0.059%); highest among the groups gnomAD compares: Non-Finnish European, 0.075%; no homozygotes.

Submissions (2):

Ambry Genetics
Classification: Uncertain significance for Inborn genetic diseases. Last evaluated: 2021-08-17. Review status: criteria provided, single submitter. Criteria: Ambry Variant Classification Scheme 2023. Collection method: clinical testing. Allele origin: germline.

PreventionGenetics, part of Exact Sciences
Classification: Uncertain significance for NEK9-related condition. Last evaluated: 2024-07-03. Review status: no assertion criteria provided. Collection method: clinical testing. Allele origin: germline. Not counted in ClinVar's aggregate classification.
Comment: The NEK9 c.2773A>G variant is predicted to result in the amino acid substitution p.Thr925Ala. To our knowledge, this variant has not been reported in the literature. This variant is reported in 0.044% of alleles in individuals of European (Non-Finnish) descent in gnomAD. At this time, the clinical significance of this variant is uncertain due to the absence of conclusive functional and genetic evidence.